The following continues an entry in ClinVar:

NM_138801.3(GALM):c.147G>A (p.Gln49=)

Gene: GALM. ClinVar aggregate classification (germline): Benign. Benign (3).

Submissions 34 to 43 of 43:

Dr. Peter K. Rogan Lab, Western University
No classification provided (evidence only). Condition: Ovarian serous cystadenocarcinoma. Review status: no classification provided. Collection method: in vitro. Allele origin: not applicable. Functional consequence: retained intron. Not counted in ClinVar's aggregate classification.

Dr. Peter K. Rogan Lab, Western University
No classification provided (evidence only). Condition: Ovarian serous cystadenocarcinoma. Review status: no classification provided. Collection method: in vitro. Allele origin: not applicable. Functional consequence: retained intron. Not counted in ClinVar's aggregate classification.

Dr. Peter K. Rogan Lab, Western University
No classification provided (evidence only). Condition: Ovarian serous cystadenocarcinoma. Review status: no classification provided. Collection method: in vitro. Allele origin: not applicable. Functional consequence: retained intron. Not counted in ClinVar's aggregate classification.

Dr. Peter K. Rogan Lab, Western University
No classification provided (evidence only). Condition: Ovarian serous cystadenocarcinoma. Review status: no classification provided. Collection method: in vitro. Allele origin: not applicable. Functional consequence: retained intron. Not counted in ClinVar's aggregate classification.

Dr. Peter K. Rogan Lab, Western University
No classification provided (evidence only). Condition: Ovarian serous cystadenocarcinoma. Review status: no classification provided. Collection method: in vitro. Allele origin: not applicable. Functional consequence: retained intron. Not counted in ClinVar's aggregate classification.

Dr. Peter K. Rogan Lab, Western University
No classification provided (evidence only). Condition: Ovarian serous cystadenocarcinoma. Review status: no classification provided. Collection method: in vitro. Allele origin: not applicable. Functional consequence: retained intron. Not counted in ClinVar's aggregate classification.

Dr. Peter K. Rogan Lab, Western University
No classification provided (evidence only). Condition: Gastric cancer. Review status: no classification provided. Collection method: in vitro. Allele origin: not applicable. Functional consequence: retained intron. Not counted in ClinVar's aggregate classification.

Dr. Peter K. Rogan Lab, Western University
No classification provided (evidence only). Condition: Gastric cancer. Review status: no classification provided. Collection method: in vitro. Allele origin: not applicable. Functional consequence: retained intron. Not counted in ClinVar's aggregate classification.

Dr. Peter K. Rogan Lab, Western University
No classification provided (evidence only). Condition: Gastric cancer. Review status: no classification provided. Collection method: in vitro. Allele origin: not applicable. Functional consequence: retained intron. Not counted in ClinVar's aggregate classification.

Dr. Peter K. Rogan Lab, Western University
No classification provided (evidence only). Condition: Uterine carcinosarcoma. Review status: no classification provided. Collection method: in vitro. Allele origin: not applicable. Functional consequence: retained intron. Not counted in ClinVar's aggregate classification.